The following is an entry in ClinVar:

ClinVar aggregate classification (germline): Uncertain significance (1 of 4 stars; one submission).

gnomAD v4.1: 2 of 1,611,472 alleles (0.00012%); highest among the groups gnomAD compares: South Asian, 0.0022%; no homozygotes.

Submission:

GeneDx
Classification: Uncertain significance. Last evaluated: 2020-01-27. Review status: criteria provided, single submitter. Criteria: GeneDx Variant Classification Process June 2021. Collection method: clinical testing. Allele origin: germline. Affected: yes.
Comment: Not observed in large population cohorts (Lek et al., 2016); In silico analysis, which includes protein predictors and evolutionary conservation, supports that this variant does not alter protein structure/function; Has not been previously published as pathogenic or benign to our knowledge

NM_001161352.2(KCNMA1):c.710A>G (p.Asn237Ser)

Gene: KCNMA1 (potassium calcium-activated channel subfamily M alpha 1; minus strand). Cytogenetic location: 10q22.3.
Variant type: single nucleotide variant.
Coding change: c.710A>G on transcript NM_001161352.2 (MANE Select); coding-DNA position 710, A replaced by G.
Protein change: p.Asn237Ser; replaces asparagine 237 with serine.
Molecular consequence: missense variant.
Genome position (GRCh38, 1-based): chr10:77,183,519, T>C on the plus strand (A>G on the coding strand, the complement: KCNMA1 is on the minus strand). VCF-style: chr10-77183519-T-C. GRCh37 (hg19) VCF-style: chr10-78943277-T-C.
Other names: c.710A>G, p.Asn237Ser (NM_001014797.3, NM_001161353.2, NM_001271519.2 and 7 more transcripts); c.548A>G, p.Asn183Ser (NM_001271518.2); c.170A>G, p.Asn57Ser (NM_001322838.2); short protein forms N183S, N237S, N57S.
Identifiers: ClinVar variation 1312679 (VCV001312679.2), dbSNP rs2154124882, ClinGen allele CA377410486.
Genomic context (GRCh38, chr10:77,183,519, plus strand): 5'-GGGGGCACCGTGAAGAAATCCACTACAGAGTTCACTTCCAGCCAGAACCACAATTTATCG[T>C]TGGCTGCAATAAACTGGGGGAAAGAAGAAATAAGAAAGAGAAAAAACATGAGAAGCATGG-3'
Protein context (NP_001154824.1, residues 227-247): LYFGLRFIAA[Asn237Ser]DKLWFWLEVN